The following is an entry in ClinVar:

NM_030962.4(SBF2):c.3526C>T (p.Arg1176Ter)

Gene: SBF2 (SET binding factor 2; minus strand). Cytogenetic location: 11p15.4.
Variant type: single nucleotide variant.
Coding change: c.3526C>T on transcript NM_030962.4 (MANE Select); coding-DNA position 3526, C replaced by T.
Protein change: p.Arg1176Ter; replaces arginine 1176 with a stop codon.
Molecular consequence: nonsense.
Genome position (GRCh38, 1-based): chr11:9,832,350, G>A on the plus strand (C>T on the coding strand, the complement: SBF2 is on the minus strand). VCF-style: chr11-9832350-G-A. GRCh37 (hg19) VCF-style: chr11-9853897-G-A.
Other names: c.3526C>T, p.Arg1176Ter (NM_001386339.1); c.3397C>T, p.Arg1133Ter (NM_001386342.1); short protein forms R1176*, R1133*.
Identifiers: ClinVar variation 581182 (VCV000581182.7), dbSNP rs774667470, ClinGen allele CA5881240.

ClinVar aggregate classification (germline): Pathogenic (1 of 4 stars; one submission).

Conditions:
Charcot-Marie-Tooth disease type 4. Also called: Charcot-Marie-Tooth disease, type IV; Charcot-Marie-Tooth, Type 4. Identifiers: Orphanet 64749, MedGen C4082197, MONDO:0018995.

Allele frequency attached by ClinVar (database versions not stated): gnomAD exomes below 0.00001 and 0.00001; TOPMed below 0.00001; gnomAD 0.00001; ExAC 0.00002.
gnomAD v4.1: 7 of 1,613,890 alleles (0.00043%); highest among the groups gnomAD compares: East Asian, 0.0022%; no homozygotes.

Submission:

Labcorp Genetics (formerly Invitae), Labcorp
Classification: Pathogenic for Charcot-Marie-Tooth disease type 4. Last evaluated: 2018-05-06. Review status: criteria provided, single submitter. Criteria: Invitae Variant Classification Sherloc (09022015). Collection method: clinical testing. Allele origin: germline.
Comment: This variant has not been reported in the literature in individuals with SBF2-related disease. For these reasons, this variant has been classified as Pathogenic. Loss-of-function variants in SBF2 are known to be pathogenic (PMID: 12687498, 25873783). This variant is present in population databases (rs774667470, ExAC 0.01%). This sequence change creates a premature translational stop signal (p.Arg1176*) in the SBF2 gene. It is expected to result in an absent or disrupted protein product.

Literature cited by the submitters: PubMed 12687498; PubMed 25873783.